The following is an entry in ClinVar:

NM_000545.8(HNF1A):c.1345_1346insG (p.Ile449fs)

Gene: HNF1A (HNF1 homeobox A; plus strand). Cytogenetic location: 12q24.31.
Variant type: Insertion.
Coding change: c.1345_1346insG on transcript NM_000545.8 (MANE Select); coding-DNA positions 1345 to 1346, G inserted.
Protein change: p.Ile449fs; shifts the reading frame from isoleucine 449.
Molecular consequence: frameshift variant.
Genome position: GRCh38 VCF-style: chr12-120997509-A-AG. GRCh37 (hg19) VCF-style: chr12-121435312-A-AG.
Other names: c.1345_1346insG, p.Ile449fs (NM_001306179.2); short protein forms I449fs.
Identifiers: ClinVar variation 1172848 (VCV001172848.1), dbSNP rs2135847490, ClinGen allele CA2499221470.

ClinVar aggregate classification (germline): Likely pathogenic (1 of 4 stars; one submission).

Conditions:
Maturity-onset diabetes of the young (MODY). Also called: Maturity onset diabetes mellitus in young. Identifiers: Orphanet 552, MedGen C0342276, MONDO:0018911, HP:0004904.

Submission:

Women's Health and Genetics/Laboratory Corporation of America, LabCorp
Classification: Likely pathogenic for Maturity-onset diabetes of the young. Last evaluated: 2021-05-26. Review status: criteria provided, single submitter. Criteria: LabCorp Variant Classification Summary - May 2015. Collection method: clinical testing. Allele origin: germline.
Comment: Variant summary: HNF1A c.1345_1346insG (p.Ile449SerfsX100) results in a premature termination codon, predicted to cause a truncation of the encoded protein or absence of the protein due to nonsense mediated decay, which are commonly known mechanisms for disease. The variant was absent in 249602 control chromosomes (gnomAD). To our knowledge, no occurrence of c.1345_1346insG in individuals affected with Maturity Onset Diabetes Of The Young 3 and no experimental evidence demonstrating its impact on protein function have been reported. No clinical diagnostic laboratories have submitted clinical-significance assessments for this variant to ClinVar after 2014. Based on the evidence outlined above, the variant was classified as likely pathogenic.